The following is an entry in ClinVar:

ClinVar aggregate classification (germline): Uncertain significance (1 of 4 stars; one submission).

Conditions:
Christianson syndrome (MRXSCH). Also called: X-linked mental retardation, syndromic, Christianson type; SLC9A6-Related Syndromic Mental Retardation; INTELLECTUAL DEVELOPMENTAL DISORDER, X-LINKED, SYNDROMIC, CHRISTIANSON TYPE. Identifiers: Orphanet 85278, MedGen C2678194, MONDO:0010278, OMIM 300243.

Submission:

Labcorp Genetics (formerly Invitae), Labcorp
Classification: Uncertain significance for Christianson syndrome. Last evaluated: 2025-06-12. Review status: criteria provided, single submitter. Criteria: Invitae Variant Classification Sherloc (09022015). Collection method: clinical testing. Allele origin: germline.
Comment: This sequence change replaces glycine, which is neutral and non-polar, with arginine, which is basic and polar, at codon 16 of the SLC9A6 protein (p.Gly16Arg). This variant is not present in population databases (gnomAD no frequency). This variant has not been reported in the literature in individuals affected with SLC9A6-related conditions. ClinVar contains an entry for this variant (Variation ID: 2726394). An algorithm developed to predict the effect of missense changes on protein structure and function (PolyPhen-2) suggests that this variant is likely to be disruptive. In summary, the available evidence is currently insufficient to determine the role of this variant in disease. Therefore, it has been classified as a Variant of Uncertain Significance.

NM_001379110.1(SLC9A6):c.-56-55G>C

Genes: SLC9A6 (solute carrier family 9 member A6; plus strand), LOC130068746 (ATAC-STARR-seq lymphoblastoid silent region 21025; plus strand). Cytogenetic location: Xq26.3.
Variant type: single nucleotide variant.
Coding change: c.-56-55G>C on transcript NM_001379110.1 (MANE Select); 55 bases into the intron before 56 bases upstream of the start codon, G replaced by C.
Molecular consequence: intron variant. On other transcripts: missense variant (2).
Genome position (GRCh38, 1-based): chrX:135,985,548, G>C. VCF-style: chrX-135985548-G-C. GRCh37 (hg19) VCF-style: chrX-135067707-G-C.
Other names: c.-56-55G>C (NM_001400910.1, NM_001400911.1, NM_001177651.2 and 3 more transcripts); c.46G>C, p.Gly16Arg (NM_001042537.2, NM_006359.3); c.-35-76G>C (NM_001400909.1); short protein forms G16R.
Identifiers: ClinVar variation 2726394 (VCV002726394.3), dbSNP rs2089319617, ClinGen allele CA414606403.
Genomic context (GRCh38, chrX:135,985,548, plus strand): 5'-GAGGCGGGGGGAGACATGGCTCGGCGCGGCTGGCGGCGGGCACCCCTCCGCCGTGGCGTC[G>C]GCAGCAGTCCCCGAGCCCGCAGGCTCATGCGGCCCCTTTGGTTGCTCCTCGCAGTGGGCG-3'